The following is an entry in ClinVar:

NM_020884.7(MYH7B):c.3493G>A (p.Ala1165Thr)

Gene: MYH7B (myosin heavy chain 7B; plus strand). Cytogenetic location: 20q11.22.
Variant type: single nucleotide variant.
Coding change: c.3493G>A on transcript NM_020884.7 (MANE Select); coding-DNA position 3493, G replaced by A.
Protein change: p.Ala1165Thr; replaces alanine 1165 with threonine.
Molecular consequence: missense variant.
Genome position (GRCh38, 1-based): chr20:34,997,386, G>A. VCF-style: chr20-34997386-G-A. GRCh37 (hg19) VCF-style: chr20-33585189-G-A.
Other names: c.3619G>A (NM_020884.3); short protein forms A1165T.
Identifiers: ClinVar variation 3678827 (VCV003678827.3).

ClinVar aggregate classification (germline): Uncertain significance. Review status: criteria provided, multiple submitters, no conflicts (2 of 4 stars). 2 submissions from 2 submitters: Uncertain significance (2). Last evaluated 2025-07-08.

gnomAD v4.1: 8 of 1,510,996 alleles (0.00053%); highest among the groups gnomAD compares: South Asian, 0.0013%; no homozygotes.

Submissions (2):

Ambry Genetics
Classification: Uncertain significance. Last evaluated: 2025-07-08. Review status: criteria provided, single submitter. Criteria: Ambry Variant Classification Scheme 2023. Collection method: clinical testing. Allele origin: germline.

Labcorp Genetics (formerly Invitae), Labcorp
Classification: Uncertain significance. Last evaluated: 2024-07-24. Review status: criteria provided, single submitter. Criteria: Invitae Variant Classification Sherloc (09022015). Collection method: clinical testing. Allele origin: germline.
Comment: This sequence change replaces alanine, which is neutral and non-polar, with threonine, which is neutral and polar, at codon 1207 of the MYH7B protein (p.Ala1207Thr). The frequency data for this variant in the population databases is considered unreliable, as metrics indicate poor data quality at this position in the gnomAD database. This variant has not been reported in the literature in individuals affected with MYH7B-related conditions. Advanced modeling of protein sequence and biophysical properties (such as structural, functional, and spatial information, amino acid conservation, physicochemical variation, residue mobility, and thermodynamic stability) performed at Invitae indicates that this missense variant is not expected to disrupt MYH7B protein function with a negative predictive value of 80%. In summary, the available evidence is currently insufficient to determine the role of this variant in disease. Therefore, it has been classified as a Variant of Uncertain Significance.